The following is an entry in ClinVar:

ClinVar aggregate classification (germline): Uncertain significance (1 of 4 stars; one submission).

Conditions:
Hemochromatosis type 4 (HFE4). Also called: Ferroportin disease; HEMOCHROMATOSIS DUE TO DEFECT IN FERROPORTIN; HEMOCHROMATOSIS, AUTOSOMAL DOMINANT. Identifiers: Orphanet 139491, Orphanet 647834, Orphanet 648562, MedGen C1853733, MONDO:0011631, OMIM 606069.

gnomAD v4.1: 12 of 1,613,256 alleles (0.00074%); highest among the groups gnomAD compares: African/African-American, 0.0013%; no homozygotes.

Submission:

Labcorp Genetics (formerly Invitae), Labcorp
Classification: Uncertain significance for Hemochromatosis type 4. Last evaluated: 2025-08-05. Review status: criteria provided, single submitter. Criteria: Invitae Variant Classification Sherloc (09022015). Collection method: clinical testing. Allele origin: germline.
Comment: This sequence change replaces alanine, which is neutral and non-polar, with glycine, which is neutral and non-polar, at codon 315 of the SLC40A1 protein (p.Ala315Gly). This variant is not present in population databases (gnomAD no frequency). This variant has not been reported in the literature in individuals affected with SLC40A1-related conditions. Invitae Evidence Modeling of protein sequence and biophysical properties (such as structural, functional, and spatial information, amino acid conservation, physicochemical variation, residue mobility, and thermodynamic stability) has been performed for this missense variant. However, the output from this modeling did not meet the statistical confidence thresholds required to predict the impact of this variant on SLC40A1 protein function. In summary, the available evidence is currently insufficient to determine the role of this variant in disease. Therefore, it has been classified as a Variant of Uncertain Significance.

NM_014585.6(SLC40A1):c.944C>G (p.Ala315Gly)

Gene: SLC40A1 (solute carrier family 40 member 1; minus strand). Cytogenetic location: 2q32.2.
Variant type: single nucleotide variant.
Coding change: c.944C>G on transcript NM_014585.6 (MANE Select); coding-DNA position 944, C replaced by G.
Protein change: p.Ala315Gly; replaces alanine 315 with glycine.
Molecular consequence: missense variant.
Genome position (GRCh38, 1-based): chr2:189,564,042, G>C on the plus strand (C>G on the coding strand, the complement: SLC40A1 is on the minus strand). VCF-style: chr2-189564042-G-C. GRCh37 (hg19) VCF-style: chr2-190428768-G-C.
Other names: short protein forms A315G.
Identifiers: ClinVar variation 4704403 (VCV004704403.1).